The following is an entry in ClinVar:

NM_001130144.3(LTBP3):c.3670del (p.Cys1223_Val1224insTer)

Gene: LTBP3 (latent transforming growth factor beta binding protein 3; minus strand). Cytogenetic location: 11q13.1.
Variant type: Deletion.
Coding change: c.3670del on transcript NM_001130144.3 (MANE Select); coding-DNA position 3670, one base deleted (G; older notation c.3670delG).
Protein change: p.Cys1223_Val1224insTer.
Molecular consequence: nonsense.
Genome position (GRCh38, 1-based): chr11:65,539,418, C deleted on the plus strand (G on the coding strand, the reverse complement: LTBP3 is on the minus strand). VCF-style (leftmost placement, unchanged base first): chr11-65539417-AC-A. GRCh37 (hg19) VCF-style: chr11-65306888-AC-A.
Other names: c.3178del, p.Cys1059_Val1060insTer (NM_001164266.1); c.3529del, p.Cys1176_Val1177insTer (NM_021070.4).
Identifiers: ClinVar variation 2889063 (VCV002889063.3), dbSNP rs2496113002, ClinGen allele CA2739270527.

ClinVar aggregate classification (germline): Pathogenic (1 of 4 stars; one submission).

Conditions:
Brachyolmia-amelogenesis imperfecta syndrome. Also called: PLATYSPONDYLY WITH AMELOGENESIS IMPERFECTA; Tooth agenesis, selective, 6; Dental anomalies and short stature. Identifiers: Orphanet 2899, MedGen C1832594, MONDO:0011018, OMIM 601216. Disease mechanism: loss of function.

Submission:

Labcorp Genetics (formerly Invitae), Labcorp
Classification: Pathogenic for Brachyolmia-amelogenesis imperfecta syndrome. Last evaluated: 2025-12-24. Review status: criteria provided, single submitter. Criteria: Invitae Variant Classification Sherloc (09022015). Collection method: clinical testing. Allele origin: germline.
Comment: This sequence change creates a premature translational stop signal (p.Val1224*) in the LTBP3 gene. It is expected to result in an absent or disrupted protein product. Loss-of-function variants in LTBP3 are known to be pathogenic (PMID: 11790802, 19344874, 25669657). This variant is not present in population databases (gnomAD no frequency). This variant has not been reported in the literature in individuals affected with LTBP3-related conditions. ClinVar contains an entry for this variant (Variation ID: 2889063). For these reasons, this variant has been classified as Pathogenic.

Literature cited by the submitters: PubMed 11790802; PubMed 19344874; PubMed 25669657.